The following is an entry in ClinVar:

ClinVar aggregate classification (germline): Benign/Likely benign. Review status: criteria provided, multiple submitters, no conflicts (2 of 4 stars). 4 submissions from 4 submitters: Benign (1); Likely benign (3). Last evaluated 2026-01-31.

Allele frequency attached by ClinVar (database versions not stated): TOPMed 0.00006; gnomAD 0.00012 and 0.00014; gnomAD exomes 0.00019 and 0.00022; ExAC 0.00022.
gnomAD v4.1: 287 of 1,612,970 alleles (0.018%); highest among the groups gnomAD compares: Non-Finnish European, 0.019%; 1 homozygote.

Submissions (4):

Labcorp Genetics (formerly Invitae), Labcorp
Classification: Likely benign. Last evaluated: 2026-01-31. Review status: criteria provided, single submitter. Criteria: Invitae Variant Classification Sherloc (09022015). Collection method: clinical testing. Allele origin: germline.

Laboratory of Genetics, Children's Clinical University Hospital Latvia
Classification: Benign. Last evaluated: 2025-02-16. Review status: criteria provided, single submitter. Criteria: ACMG Guidelines, 2015. Collection method: clinical testing. Allele origin: germline. Affected: yes.

CeGaT Center for Human Genetics Tuebingen
Classification: Likely benign. Last evaluated: 2024-11-01. Review status: criteria provided, single submitter. Criteria: CeGaT Center For Human Genetics Tuebingen Variant Classification Criteria Version 2. Collection method: clinical testing. Allele origin: germline. Affected: yes. Observed: 1 variant allele.
Comment: AGPS: BP4, BP7

GeneDx
Classification: Likely benign. Last evaluated: 2017-09-19. Review status: criteria provided, single submitter. Criteria: GeneDx Variant Classification (06012015). Collection method: clinical testing. Allele origin: germline. Affected: yes.
Comment: This variant is considered likely benign or benign based on one or more of the following criteria: it is a conservative change, it occurs at a poorly conserved position in the protein, it is predicted to be benign by multiple in silico algorithms, and/or has population frequency not consistent with disease.

NM_003659.4(AGPS):c.1632A>G (p.Val544=)

Gene: AGPS (alkylglycerone phosphate synthase; plus strand). Cytogenetic location: 2q31.2.
Variant type: single nucleotide variant.
Coding change: c.1632A>G on transcript NM_003659.4 (MANE Select); coding-DNA position 1632, A replaced by G.
Protein change: p.Val544=; no amino-acid change (valine 544 retained).
Molecular consequence: synonymous variant.
Genome position (GRCh38, 1-based): chr2:177,513,843, A>G. VCF-style: chr2-177513843-A-G. GRCh37 (hg19) VCF-style: chr2-178378571-A-G.
Identifiers: ClinVar variation 512235 (VCV000512235.24), dbSNP rs201132634, ClinGen allele CA1980396.